The following is an entry in ClinVar:

ClinVar aggregate classification (germline): Uncertain significance. Review status: criteria provided, multiple submitters, no conflicts (2 of 4 stars). 2 submissions from 2 submitters: Uncertain significance (2). Last evaluated 2025-08-30.

Conditions:
Familial thoracic aortic aneurysm and aortic dissection (TAAD). Also called: Thoracic aortic aneurysms and dissections. Identifiers: Orphanet 91387, MedGen C4707243, MONDO:0019625.

Allele frequency attached by ClinVar (database versions not stated): gnomAD exomes below 0.00001.
gnomAD v4.1: 2 of 1,613,588 alleles (0.00012%); highest among the groups gnomAD compares: Non-Finnish European, 0.00017%; no homozygotes.

Submissions (2):

Color Diagnostics, LLC DBA Color Health
Classification: Uncertain significance for Familial thoracic aortic aneurysm and aortic dissection. Last evaluated: 2025-08-30. Review status: criteria provided, single submitter. Criteria: ACMG Guidelines, 2015. Collection method: clinical testing. Allele origin: germline.
Comment: This missense variant replaces glutamic acid with glutamine at codon 1256 of the MYH11 protein. Computational prediction is inconclusive regarding the impact of this variant on protein structure and function. To our knowledge, functional studies have not been reported for this variant. This variant has not been reported in individuals affected with MYH11-related disorders in the literature. This variant has not been identified in the general population by the Genome Aggregation Database (gnomAD). The available evidence is insufficient to determine the role of this variant in disease conclusively. Therefore, this variant is classified as a Variant of Uncertain Significance.

Ambry Genetics
Classification: Uncertain significance for Familial thoracic aortic aneurysm and aortic dissection. Last evaluated: 2023-08-29. Review status: criteria provided, single submitter. Criteria: Ambry Variant Classification Scheme 2023. Collection method: clinical testing. Allele origin: germline.
Comment: The p.E1249Q variant (also known as c.3745G>C), located in coding exon 27 of the MYH11 gene, results from a G to C substitution at nucleotide position 3745. The glutamic acid at codon 1249 is replaced by glutamine, an amino acid with highly similar properties. This amino acid position is conserved. In addition, this alteration is predicted to be tolerated by in silico analysis. Since supporting evidence is limited at this time, the clinical significance of this alteration remains unclear.

NM_002474.3(MYH11):c.3745G>C (p.Glu1249Gln)

Gene: MYH11 (myosin heavy chain 11; minus strand). Cytogenetic location: 16p13.11.
Variant type: single nucleotide variant.
Coding change: c.3745G>C on transcript NM_002474.3 (MANE Select); coding-DNA position 3745, G replaced by C.
Protein change: p.Glu1249Gln; replaces glutamic acid 1249 with glutamine.
Molecular consequence: missense variant.
Genome position (GRCh38, 1-based): chr16:15,726,961, C>G on the plus strand (G>C on the coding strand, the complement: MYH11 is on the minus strand). VCF-style: chr16-15726961-C-G. GRCh37 (hg19) VCF-style: chr16-15820818-C-G.
Other names: c.3766G>C, p.Glu1256Gln (NM_001040113.2, NM_001040114.2); c.3745G>C, p.Glu1249Gln (NM_022844.3); short protein forms E1249Q, E1256Q.
Identifiers: ClinVar variation 2625328 (VCV002625328.3), dbSNP rs2040795788, ClinGen allele CA394860155.